The following is an entry in ClinVar:

ClinVar aggregate classification (germline): Uncertain significance (1 of 4 stars; one submission).

Allele frequency attached by ClinVar (database versions not stated): gnomAD exomes 0.00001; TOPMed 0.00001; ExAC 0.00002.
gnomAD v4.1: 15 of 1,614,028 alleles (0.00093%); highest among the groups gnomAD compares: South Asian, 0.0066%; no homozygotes.

Submission:

GeneDx
Classification: Uncertain significance. Last evaluated: 2023-01-04. Review status: criteria provided, single submitter. Criteria: GeneDx Variant Classification Process June 2021. Collection method: clinical testing. Allele origin: germline. Affected: yes.
Comment: Not observed at significant frequency in large population cohorts (gnomAD); In silico analysis supports a deleterious effect on splicing; Has not been previously published as pathogenic or benign to our knowledge

NM_007103.4(NDUFV1):c.1083G>A (p.Thr361=)

Genes: NDUFV1 (NADH:ubiquinone oxidoreductase core subunit V1; plus strand), LOC126861242 (CDK7 strongly-dependent group 2 enhancer GRCh37_chr11:67379204-67380403; plus strand). Cytogenetic location: 11q13.2.
Variant type: single nucleotide variant.
Coding change: c.1083G>A on transcript NM_007103.4 (MANE Select); coding-DNA position 1083, G replaced by A.
Protein change: p.Thr361=; no amino-acid change (threonine 361 retained).
Molecular consequence: synonymous variant.
Genome position (GRCh38, 1-based): chr11:67,611,899, G>A. VCF-style: chr11-67611899-G-A. GRCh37 (hg19) VCF-style: chr11-67379370-G-A.
Other names: c.1056G>A, p.Thr352= (NM_001166102.2).
Identifiers: ClinVar variation 2571835 (VCV002571835.1), dbSNP rs771200094, ClinGen allele CA6143400.